The following is an entry in ClinVar:

NM_000539.3(RHO):c.643C>G (p.Pro215Ala)

Gene: RHO (rhodopsin; plus strand). Cytogenetic location: 3q22.1.
Variant type: single nucleotide variant.
Coding change: c.643C>G on transcript NM_000539.3 (MANE Select); coding-DNA position 643, C replaced by G.
Protein change: p.Pro215Ala; replaces proline 215 with alanine.
Molecular consequence: missense variant.
Genome position (GRCh38, 1-based): chr3:129,532,363, C>G. VCF-style: chr3-129532363-C-G. GRCh37 (hg19) VCF-style: chr3-129251206-C-G.
Other names: short protein forms P215A.
Identifiers: ClinVar variation 1213894 (VCV001213894.7), dbSNP rs2108750367, ClinGen allele CA354469938.

ClinVar aggregate classification (germline): Likely pathogenic. Review status: criteria provided, multiple submitters, no conflicts (2 of 4 stars). 2 submissions from 2 submitters: Likely pathogenic (2). Last evaluated 2022-09-06.

Conditions:
Retinitis pigmentosa 4 (RP4). Also called: RETINITIS PIGMENTOSA, RHODOPSIN-RELATED. Identifiers: Orphanet 791, MedGen C3151001, MONDO:0013395, OMIM 613731.

Submissions (2):

Labcorp Genetics (formerly Invitae), Labcorp
Classification: Likely pathogenic. Last evaluated: 2022-09-06. Review status: criteria provided, single submitter. Criteria: Invitae Variant Classification Sherloc (09022015). Collection method: clinical testing. Allele origin: germline.
Comment: In summary, the currently available evidence indicates that the variant is pathogenic, but additional data are needed to prove that conclusively. Therefore, this variant has been classified as Likely Pathogenic. This variant disrupts the p.Pro215 amino acid residue in RHO. Other variant(s) that disrupt this residue have been determined to be pathogenic (PMID: 10874327, 30977563, 32013026, 32531858). This suggests that this residue is clinically significant, and that variants that disrupt this residue are likely to be disease-causing. Advanced modeling of protein sequence and biophysical properties (such as structural, functional, and spatial information, amino acid conservation, physicochemical variation, residue mobility, and thermodynamic stability) performed at Invitae indicates that this missense variant is expected to disrupt RHO protein function. ClinVar contains an entry for this variant (Variation ID: 1213894). This variant has not been reported in the literature in individuals affected with RHO-related conditions. This variant is not present in population databases (gnomAD no frequency). This sequence change replaces proline, which is neutral and non-polar, with alanine, which is neutral and non-polar, at codon 215 of the RHO protein (p.Pro215Ala).

DBGen Ocular Genomics
Classification: Likely pathogenic for Retinitis pigmentosa 4. Last evaluated: 2021-06-21. Review status: criteria provided, single submitter. Criteria: ACMG Guidelines, 2015. Collection method: clinical testing. Allele origin: germline. Affected: yes. Observed: 1 variant allele.

Literature cited by the submitters: PubMed 10874327 (cited by Labcorp Genetics (formerly Invitae), Labcorp); PubMed 30977563 (cited by Labcorp Genetics (formerly Invitae), Labcorp); PubMed 32013026 (cited by Labcorp Genetics (formerly Invitae), Labcorp); PubMed 32531858 (cited by Labcorp Genetics (formerly Invitae), Labcorp).